The following is an entry in ClinVar:

ClinVar aggregate classification (germline): Uncertain significance. Review status: criteria provided, multiple submitters, no conflicts (2 of 4 stars). 2 submissions from 2 submitters: Uncertain significance (2). Last evaluated 2025-09-16.

Conditions:
POLD1-related polyposis and colorectal cancer syndrome (CRCS10). Also called: Colorectal cancer 10; COLORECTAL CANCER, SUSCEPTIBILITY TO, ON CHROMOSOME 19q; Colorectal cancer, susceptibility to, 10. Identifiers: Orphanet 220460, MedGen C2675481, MONDO:0012953, OMIM 612591.
Hereditary cancer-predisposing syndrome. Also called: Tumor predisposition; Neoplastic Syndromes, Hereditary; Hereditary Cancer Syndrome; Hereditary neoplastic syndrome. Identifiers: Orphanet 140162, MedGen C0027672, MeSH D009386, MONDO:0015356.

Submissions (2):

Ambry Genetics
Classification: Uncertain significance for Hereditary cancer-predisposing syndrome. Last evaluated: 2025-09-16. Review status: criteria provided, single submitter. Criteria: Ambry Variant Classification Scheme 2023. Collection method: clinical testing. Allele origin: germline.
Comment: The c.2443_2444delTCinsCT variant (also known as p.S815L), located in coding exon 19 of the POLD1 gene, results from an in-frame deletion of TC and insertion of CT at nucleotide positions 2443 to 2444. This results in the substitution of the serine residue for a leucine residue at codon 815, an amino acid with dissimilar properties. This amino acid position is well conserved in available vertebrate species. In addition, this variant is predicted to be neutral by in silico analysis (Choi Y et al. PLoS ONE. 2012; 7(10):e46688). Based on the available evidence, the clinical significance of this variant remains unclear.

Labcorp Genetics (formerly Invitae), Labcorp
Classification: Uncertain significance for POLD1-related polyposis and colorectal cancer syndrome. Last evaluated: 2018-06-05. Review status: criteria provided, single submitter. Criteria: Invitae Variant Classification Sherloc (09022015). Collection method: clinical testing. Allele origin: germline.
Comment: This variant has not been reported in the literature in individuals with POLD1-related disease. This variant is not present in population databases (ExAC no frequency). This sequence change replaces serine with leucine at codon 815 of the POLD1 protein (p.Ser815Leu). The serine residue is moderately conserved and there is a large physicochemical difference between serine and leucine. In summary, the available evidence is currently insufficient to determine the role of this variant in disease. Therefore, it has been classified as a Variant of Uncertain Significance. Algorithms developed to predict the effect of missense changes on protein structure and function are either unavailable or do not agree on the potential impact of this missense change (SIFT: "Deleterious"; PolyPhen-2: "Possibly Damaging"; Align-GVGD: "Class C0").

NM_002691.4(POLD1):c.2443_2444delinsCT (p.Ser815Leu)

Gene: POLD1 (DNA polymerase delta 1, catalytic subunit; plus strand). Cytogenetic location: 19q13.33.
Variant type: Indel.
Coding change: c.2443_2444delinsCT on transcript NM_002691.4 (MANE Select); coding-DNA positions 2443 to 2444, TC replaced by CT.
Protein change: p.Ser815Leu; replaces serine 815 with leucine.
Molecular consequence: missense variant. On other transcripts: non-coding transcript variant (1).
Genome position (GRCh38, 1-based): chr19:50,414,869-50,414,870, TC replaced by CT. VCF-style: chr19-50414869-TC-CT. GRCh37 (hg19) VCF-style: chr19-50918126-TC-CT.
Other names: c.2443_2444delinsCT, p.Ser815Leu (NM_001256849.1); c.2521_2522delinsCT, p.Ser841Leu (NM_001308632.1); c.2443_2444delTCinsCT (NM_002691.2); short protein forms S841L, S815L.
Identifiers: ClinVar variation 568614 (VCV000568614.8), dbSNP rs1568636835, ClinGen allele CA891844276.
Genomic context (GRCh38, chr19:50,414,869, plus strand): 5'-TCCCAGGTCTACTTCCCATACCTGCTTATCAGCAAGAAGCGCTACGCGGGCCTGCTCTTC[TC>CT]CTCCCGGCCCGACGCCCACGACCGCATGGACTGCAAGGGCCTGGAGGCCGTGCGCAGGGA-3'
Protein context (NP_002682.2, residues 805-825): SKKRYAGLLF[Ser815Leu]SRPDAHDRMD